The following is an entry in ClinVar:

ClinVar aggregate classification (germline): Uncertain significance. Review status: criteria provided, multiple submitters, no conflicts (2 of 4 stars). 3 submissions from 3 submitters: Uncertain significance (3). Last evaluated 2024-05-24.

Conditions:
Emery-Dreifuss muscular dystrophy 5, autosomal dominant (EDMD5). Also called: EMERY-DREIFUSS MUSCULAR DYSTROPHY 5. Identifiers: Orphanet 261, MedGen C2751805, MONDO:0013072, OMIM 612999.

Allele frequency attached by ClinVar (database versions not stated): gnomAD exomes below 0.00001; ExAC 0.00001; TOPMed 0.00001.
gnomAD v4.1: 9 of 1,613,248 alleles (0.00056%); highest among the groups gnomAD compares: Non-Finnish European, 0.00076%; no homozygotes.

Submissions (3):

Labcorp Genetics (formerly Invitae), Labcorp
Classification: Uncertain significance for Emery-Dreifuss muscular dystrophy 5, autosomal dominant. Last evaluated: 2024-05-24. Review status: criteria provided, single submitter. Criteria: Invitae Variant Classification Sherloc (09022015). Collection method: clinical testing. Allele origin: germline.
Comment: This sequence change replaces valine, which is neutral and non-polar, with leucine, which is neutral and non-polar, at codon 4387 of the SYNE2 protein (p.Val4387Leu). This variant is present in population databases (rs764515386, gnomAD 0.0009%). This variant has not been reported in the literature in individuals affected with SYNE2-related conditions. ClinVar contains an entry for this variant (Variation ID: 650328). An algorithm developed to predict the effect of missense changes on protein structure and function (PolyPhen-2) suggests that this variant is likely to be tolerated. In summary, the available evidence is currently insufficient to determine the role of this variant in disease. Therefore, it has been classified as a Variant of Uncertain Significance.

Ambry Genetics
Classification: Uncertain significance. Last evaluated: 2024-03-11. Review status: criteria provided, single submitter. Criteria: Ambry Variant Classification Scheme 2023. Collection method: clinical testing. Allele origin: germline.

Revvity Omics, Revvity
Classification: Uncertain significance for Emery-Dreifuss muscular dystrophy 5, autosomal dominant. Last evaluated: 2019-11-19. Review status: criteria provided, single submitter. Criteria: ACMG Guidelines, 2015. Collection method: clinical testing. Allele origin: germline.

NM_182914.3(SYNE2):c.13159G>C (p.Val4387Leu)

Gene: SYNE2 (spectrin repeat containing nuclear envelope protein 2; plus strand). Cytogenetic location: 14q23.2.
Variant type: single nucleotide variant.
Coding change: c.13159G>C on transcript NM_182914.3 (MANE Select); coding-DNA position 13159, G replaced by C.
Protein change: p.Val4387Leu; replaces valine 4387 with leucine.
Molecular consequence: missense variant.
Genome position (GRCh38, 1-based): chr14:64,122,012, G>C. VCF-style: chr14-64122012-G-C. GRCh37 (hg19) VCF-style: chr14-64588730-G-C.
Other names: c.13159G>C, p.Val4387Leu (NM_015180.6); short protein forms V4387L.
Identifiers: ClinVar variation 650328 (VCV000650328.12), dbSNP rs764515386, ClinGen allele CA7222365.